The following is an entry in ClinVar:

ClinVar aggregate classification (germline): Uncertain significance (1 of 4 stars; one submission).

Conditions:
Alpha thalassemia-X-linked intellectual disability syndrome (ATRX). Also called: ALPHA-THALASSEMIA/MENTAL RETARDATION SYNDROME, X-LINKED; ATR, NONDELETION TYPE; ATR-X syndrome; Alpha thalassemia mental retardation syndrome, nondeletion type, X-linked; XLMR hypotonic face syndrome; X-linked alpha-thalassemia-mental retardation syndrome. Identifiers: Orphanet 847, MedGen C1845055, MONDO:0010519, OMIM 301040.

Allele frequency attached by ClinVar (database versions not stated): gnomAD exomes below 0.00001.
gnomAD v4.1: 2 of 1,211,522 alleles (0.00017%); highest among the groups gnomAD compares: African/African-American, 0.0035%; no homozygotes.

Submission:

Labcorp Genetics (formerly Invitae), Labcorp
Classification: Uncertain significance for Alpha thalassemia-X-linked intellectual disability syndrome. Last evaluated: 2022-12-07. Review status: criteria provided, single submitter. Criteria: Invitae Variant Classification Sherloc (09022015). Collection method: clinical testing. Allele origin: germline.
Comment: Advanced modeling of protein sequence and biophysical properties (such as structural, functional, and spatial information, amino acid conservation, physicochemical variation, residue mobility, and thermodynamic stability) performed at Invitae indicates that this missense variant is not expected to disrupt ATRX protein function. This variant has not been reported in the literature in individuals affected with ATRX-related conditions. This variant is not present in population databases (gnomAD no frequency). In summary, the available evidence is currently insufficient to determine the role of this variant in disease. Therefore, it has been classified as a Variant of Uncertain Significance. This sequence change replaces isoleucine, which is neutral and non-polar, with valine, which is neutral and non-polar, at codon 1032 of the ATRX protein (p.Ile1032Val).

NM_000489.6(ATRX):c.3094A>G (p.Ile1032Val)

Gene: ATRX (ATRX chromatin remodeler; minus strand). Cytogenetic location: Xq21.1.
Variant type: single nucleotide variant.
Coding change: c.3094A>G on transcript NM_000489.6 (MANE Select); coding-DNA position 3094, A replaced by G.
Protein change: p.Ile1032Val; replaces isoleucine 1032 with valine.
Molecular consequence: missense variant.
Genome position (GRCh38, 1-based): chrX:77,682,162, T>C on the plus strand (A>G on the coding strand, the complement: ATRX is on the minus strand). VCF-style: chrX-77682162-T-C. GRCh37 (hg19) VCF-style: chrX-76937654-T-C.
Other names: c.2980A>G, p.Ile994Val (NM_138270.5); short protein forms I994V, I1032V.
Identifiers: ClinVar variation 2015691 (VCV002015691.4), dbSNP rs2519910987, ClinGen allele CA413708087.